The following is an entry in ClinVar:

ClinVar aggregate classification (germline): Uncertain significance (1 of 4 stars; one submission).

Conditions:
Hypertrophic cardiomyopathy. Also called: HYPERTROPHIC MYOCARDIOPATHY. Identifiers: Orphanet 217569, MedGen C0007194, MeSH D002312, MONDO:0005045, HP:0001639.

Submission:

Labcorp Genetics (formerly Invitae), Labcorp
Classification: Uncertain significance for Hypertrophic cardiomyopathy. Last evaluated: 2025-12-28. Review status: criteria provided, single submitter. Criteria: Invitae Variant Classification Sherloc (09022015). Collection method: clinical testing. Allele origin: germline.
Comment: This variant results in the deletion of part of exon 23 (c.3419-1_3420del) of the MYOM1 gene. It is expected to disrupt RNA splicing. Variants that disrupt the donor or acceptor splice site typically lead to a loss of protein function (PMID: 16199547), however the current clinical and genetic evidence is not sufficient to establish whether loss-of-function variants in MYOM1 cause disease. This variant is present in population databases (rs757362300, gnomAD 0.0009%). This variant has not been reported in the literature in individuals affected with MYOM1-related conditions. In summary, the available evidence is currently insufficient to determine the role of this variant in disease. Therefore, it has been classified as a Variant of Uncertain Significance.

Literature cited by the submitters: PubMed 16199547.

NM_003803.4(MYOM1):c.3419-1_3420del

Gene: MYOM1 (myomesin 1; minus strand). Cytogenetic location: 18p11.31.
Variant type: Deletion.
Coding change: c.3419-1_3420del on transcript NM_003803.4 (MANE Select); the canonical splice acceptor site of the intron before coding-DNA position 3419 through coding-DNA position 3420, 3 bases deleted (GGA; older notation c.3419-1_3420delGGA).
Molecular consequence: splice acceptor variant.
Genome position (GRCh38, 1-based): chr18:3,102,629-3,102,631, TCC deleted on the plus strand (GGA on the coding strand, the reverse complement: MYOM1 is on the minus strand); deleting any 3 consecutive bases within chr18:3,102,629-3,102,632 gives the same sequence; the c. name uses the placement nearest the transcript's 3' end. VCF-style (leftmost placement, unchanged base first): chr18-3102628-TTCC-T. GRCh37 (hg19) VCF-style: chr18-3102626-TTCC-T.
Other names: c.3131-1_3132del (NM_019856.2).
Identifiers: ClinVar variation 4754367 (VCV004754367.1).